The following is an entry in ClinVar:

ClinVar aggregate classification (germline): Uncertain significance (1 of 4 stars; one submission).

Submission:

GeneDx
Classification: Uncertain significance. Last evaluated: 2025-01-24. Review status: criteria provided, single submitter. Criteria: GeneDx Variant Classification Process June 2021. Collection method: clinical testing. Allele origin: germline. Affected: yes.
Comment: Not observed at significant frequency in large population cohorts (gnomAD); Has not been previously published as pathogenic or benign to our knowledge; Frameshift variant predicted to result in protein truncation or nonsense mediated decay in a gene for which loss-of-function is not an established mechanism of disease

NM_005718.5(ARPC4):c.22dup (p.Tyr8fs)

Genes: ARPC4 (actin related protein 2/3 complex subunit 4; plus strand), ARPC4-TTLL3 (ARPC4-TTLL3 readthrough; plus strand). Cytogenetic location: 3p25.3.
Variant type: Duplication.
Coding change: c.22dup on transcript NM_005718.5 (MANE Select); coding-DNA position 22, one base duplicated (T; older notation c.22dupT).
Protein change: p.Tyr8fs; shifts the reading frame from tyrosine 8.
Molecular consequence: frameshift variant. On other transcripts: 5 prime UTR variant (2).
Genome position (GRCh38, 1-based): chr3:9,797,677, T duplicated. VCF-style (leftmost placement, unchanged base first): chr3-9797676-C-CT. GRCh37 (hg19) VCF-style: chr3-9839360-C-CT.
Other names: c.22dup, p.Tyr8fs (NM_001198793.1); c.-249dup (NM_001024959.3, NM_001024960.3); c.79dup, p.Tyr27fs (NM_001198780.3); short protein forms Y27fs, Y8fs.
Identifiers: ClinVar variation 4071708 (VCV004071708.1).
Genomic context (GRCh38, chr3:9,797,676, plus strand): 5'-GACAGATTTTGATCTTCCCTTTCCTCTGTGTTATTTCCTATAGACTGCCACTCTCCGCCC[C>CT]TACCTGAGTGCCGTGCGGGCCACATTGCAGGCTGCCCTCTGCCTGGAGAACTTCTCCTCC-3'